The following is an entry in ClinVar:

ClinVar aggregate classification (germline): Likely pathogenic. Review status: criteria provided, single submitter (1 of 4 stars). 2 submissions from 2 submitters: Likely pathogenic (1). 1 of the submissions does not count toward it. Last evaluated 2025-05-27.

Conditions:
Autosomal recessive Alport syndrome (ATS2). Also called: COL4A4 Alport Syndrome and Thin Basement Membrane Nephropathy; COL4A3-Related Nephropathy; ALPORT SYNDROME 2, AUTOSOMAL RECESSIVE; Alport syndrome type 2. Identifiers: Orphanet 63, Orphanet 88919, MedGen C4746745, MONDO:0008762, OMIM 203780.

Allele frequency attached by ClinVar (database versions not stated): gnomAD exomes below 0.00001.
gnomAD v4.1: 2 of 1,614,164 alleles (0.00012%); highest among the groups gnomAD compares: East Asian, 0.0022%; no homozygotes.

Submissions (2):

Labcorp Genetics (formerly Invitae), Labcorp
Classification: Likely pathogenic. Last evaluated: 2025-05-27. Review status: criteria provided, single submitter. Criteria: Invitae Variant Classification Sherloc (09022015). Collection method: clinical testing. Allele origin: germline.
Comment: This sequence change affects a donor splice site in intron 49 of the COL4A3 gene. It is expected to disrupt RNA splicing. Variants that disrupt the donor or acceptor splice site typically lead to a loss of protein function (PMID: 16199547), and loss-of-function variants in COL4A3 are known to be pathogenic (PMID: 8956999, 24854265, 26809805, 27281700). This variant is not present in population databases (gnomAD no frequency). This variant has not been reported in the literature in individuals affected with COL4A3-related conditions. ClinVar contains an entry for this variant (Variation ID: 553259). Algorithms developed to predict the effect of sequence changes on RNA splicing suggest that this variant may disrupt the consensus splice site. In summary, the currently available evidence indicates that the variant is pathogenic, but additional data are needed to prove that conclusively. Therefore, this variant has been classified as Likely Pathogenic.

Counsyl
Classification: Likely pathogenic for Autosomal recessive Alport syndrome. Last evaluated: 2017-08-11. Review status: no assertion criteria provided. Collection method: clinical testing. Allele origin: unknown. Not counted in ClinVar's aggregate classification.

Literature cited by the submitters: PubMed 16199547 (cited by Labcorp Genetics (formerly Invitae), Labcorp); PubMed 8956999 (cited by Labcorp Genetics (formerly Invitae), Labcorp); PubMed 24854265 (cited by Labcorp Genetics (formerly Invitae), Labcorp); PubMed 26809805 (cited by Labcorp Genetics (formerly Invitae), Labcorp); PubMed 27281700 (cited by Labcorp Genetics (formerly Invitae), Labcorp).

NM_000091.5(COL4A3):c.4640+1G>A

Genes: COL4A3 (collagen type IV alpha 3 chain; plus strand), MFF-DT (MFF divergent transcript; minus strand). Cytogenetic location: 2q36.3.
Variant type: single nucleotide variant.
Coding change: c.4640+1G>A on transcript NM_000091.5 (MANE Select); the canonical splice donor site of the intron after coding-DNA position 4640, G replaced by A.
Molecular consequence: splice donor variant.
Genome position (GRCh38, 1-based): chr2:227,309,077, G>A. VCF-style: chr2-227309077-G-A. GRCh37 (hg19) VCF-style: chr2-228173793-G-A.
Identifiers: ClinVar variation 553259 (VCV000553259.7), dbSNP rs1553766404, ClinGen allele CA350865425.